The following is an entry in ClinVar:

NM_001030.6(RPS27):c.86A>G (p.Asn29Ser)

Genes: RPS27 (ribosomal protein S27; plus strand), LOC126805872 (BRD4-independent group 4 enhancer GRCh37_chr1:153962963-153964162; plus strand). Cytogenetic location: 1q21.3.
Variant type: single nucleotide variant.
Coding change: c.86A>G on transcript NM_001030.6 (MANE Select); coding-DNA position 86, A replaced by G.
Protein change: p.Asn29Ser; replaces asparagine 29 with serine.
Molecular consequence: missense variant. On other transcripts: 5 prime UTR variant (2).
Genome position (GRCh38, 1-based): chr1:153,991,194, A>G. VCF-style: chr1-153991194-A-G. GRCh37 (hg19) VCF-style: chr1-153963670-A-G.
Other names: c.-11A>G (NM_001349946.2, NM_001349947.2); short protein forms N29S.
Identifiers: ClinVar variation 3156187 (VCV003156187.2), dbSNP rs757903195, ClinGen allele CA1123849.

ClinVar aggregate classification (germline): Uncertain significance. Review status: criteria provided, multiple submitters, no conflicts (2 of 4 stars). 2 submissions from 2 submitters: Uncertain significance (2). Last evaluated 2025-10-31.

Allele frequency attached by ClinVar (database versions not stated): gnomAD exomes 0.00001; TOPMed 0.00004; gnomAD 0.00005.
gnomAD v4.1: 26 of 1,599,248 alleles (0.0016%); highest among the groups gnomAD compares: Non-Finnish European, 0.0021%; no homozygotes.

Submissions (2):

Labcorp Genetics (formerly Invitae), Labcorp
Classification: Uncertain significance. Last evaluated: 2025-10-31. Review status: criteria provided, single submitter. Criteria: Invitae Variant Classification Sherloc (09022015). Collection method: clinical testing. Allele origin: germline.
Comment: This sequence change replaces asparagine, which is neutral and polar, with serine, which is neutral and polar, at codon 29 of the RPS27 protein (p.Asn29Ser). This variant is present in population databases (rs757903195, gnomAD 0.009%). This variant has not been reported in the literature in individuals affected with RPS27-related conditions. ClinVar contains an entry for this variant (Variation ID: 3156187). An algorithm developed to predict the effect of missense changes on protein structure and function (PolyPhen-2) suggests that this variant is likely to be tolerated. In summary, the available evidence is currently insufficient to determine the role of this variant in disease. Therefore, it has been classified as a Variant of Uncertain Significance.

Ambry Genetics
Classification: Uncertain significance. Last evaluated: 2023-12-21. Review status: criteria provided, single submitter. Criteria: Ambry Variant Classification Scheme 2023. Collection method: clinical testing. Allele origin: germline.